The following is an entry in ClinVar:

NM_000718.4(CACNA1B):c.3745T>A (p.Ser1249Thr)

Gene: CACNA1B (calcium voltage-gated channel subunit alpha1 B; plus strand). Cytogenetic location: 9q34.3.
Variant type: single nucleotide variant.
Coding change: c.3745T>A on transcript NM_000718.4 (MANE Select); coding-DNA position 3745, T replaced by A.
Protein change: p.Ser1249Thr; replaces serine 1249 with threonine.
Molecular consequence: missense variant.
Genome position (GRCh38, 1-based): chr9:138,052,126, T>A. VCF-style: chr9-138052126-T-A. GRCh37 (hg19) VCF-style: chr9-140946578-T-A.
Other names: c.3745T>A, p.Ser1249Thr (NM_001243812.2); short protein forms S1249T.
Identifiers: ClinVar variation 3342767 (VCV003342767.1).

ClinVar aggregate classification (germline): Uncertain significance (1 of 4 stars; one submission).

Submission:

GeneDx
Classification: Uncertain significance. Last evaluated: 2022-12-23. Review status: criteria provided, single submitter. Criteria: GeneDx Variant Classification Process June 2021. Collection method: clinical testing. Allele origin: germline. Affected: yes.
Comment: Not observed at significant frequency in large population cohorts (gnomAD); In silico analysis supports that this missense variant has a deleterious effect on protein structure/function; Has not been previously published as pathogenic or benign to our knowledge; Variants in candidate genes are classified as variants of uncertain significance in accordance with ACMG guidelines (Richards et al., 2015)